The following is an entry in ClinVar:

ClinVar aggregate classification (germline): Uncertain significance (1 of 4 stars; one submission).

Conditions:
Hereditary cancer-predisposing syndrome. Also called: Neoplastic Syndromes, Hereditary; Tumor predisposition; Hereditary neoplastic syndrome; Hereditary Cancer Syndrome. Identifiers: Orphanet 140162, MedGen C0027672, MeSH D009386, MONDO:0015356.

Submission:

Ambry Genetics
Classification: Uncertain significance for Hereditary cancer-predisposing syndrome. Last evaluated: 2023-12-18. Review status: criteria provided, single submitter. Criteria: Ambry Variant Classification Scheme 2023. Collection method: clinical testing. Allele origin: germline.
Comment: The c.1278delG variant, located in coding exon 9 of the STK11 gene, results from a deletion of one nucleotide at nucleotide position 1278, causing a translational frameshift with a predicted alternate stop codon (p.L427Cfs*83). This alteration occurs at the 3' terminus of theSTK11 gene, is not expected to trigger nonsense-mediated mRNAdecay and results in the elongation of the protein by 75 amino acids. This frameshift impacts the last 7amino acids (1.6%) of the native protein. The exact functional effect of the altered amino acids is unknown. Since supporting evidence is limited at this time, the clinical significance of this alteration remains unclear.

NM_000455.5(STK11):c.1278del (p.Leu427fs)

Gene: STK11 (serine/threonine kinase 11; plus strand). Cytogenetic location: 19p13.3.
Variant type: Deletion.
Coding change: c.1278del on transcript NM_000455.5 (MANE Select); coding-DNA position 1278, one base deleted (G; older notation c.1278delG).
Protein change: p.Leu427fs; shifts the reading frame from leucine 427.
Molecular consequence: frameshift variant. On other transcripts: non-coding transcript variant (1).
Genome position (GRCh38, 1-based): chr19:1,226,623, G deleted; the last of 2 consecutive G bases (chr19:1,226,622-1,226,623); deleting either gives the same sequence. VCF-style (leftmost placement, unchanged base first): chr19-1226621-CG-C. GRCh37 (hg19) VCF-style: chr19-1226620-CG-C.
Other names: short protein forms L427fs.
Identifiers: ClinVar variation 3231738 (VCV003231738.1), dbSNP rs2512955378, ClinGen allele CA2825002722.